The following is an entry in ClinVar:

ClinVar aggregate classification (germline): Likely benign (1 of 4 stars; one submission).

Submission:

CeGaT Center for Human Genetics Tuebingen
Classification: Likely benign. Last evaluated: 2025-08-01. Review status: criteria provided, single submitter. Criteria: CeGaT Center For Human Genetics Tuebingen Variant Classification Criteria Version 2. Collection method: clinical testing. Allele origin: germline. Affected: yes. Observed: 1 variant allele.
Comment: ALK: PM2:Supporting, BP4, BP7

NM_004304.5(ALK):c.2574A>T (p.Pro858=)

Gene: ALK (ALK receptor tyrosine kinase; minus strand). Cytogenetic location: 2p23.2.
Variant type: single nucleotide variant.
Coding change: c.2574A>T on transcript NM_004304.5 (MANE Select); coding-DNA position 2574, A replaced by T.
Protein change: p.Pro858=; no amino-acid change (proline 858 retained).
Molecular consequence: synonymous variant.
Genome position (GRCh38, 1-based): chr2:29,232,362, T>A on the plus strand (A>T on the coding strand, the complement: ALK is on the minus strand). VCF-style: chr2-29232362-T-A. GRCh37 (hg19) VCF-style: chr2-29455228-T-A.
Identifiers: ClinVar variation 4085678 (VCV004085678.8).